The following is an entry in ClinVar:

NM_001164277.2(SLC37A4):c.1190del (p.Phe397fs)

Gene: SLC37A4 (solute carrier family 37 member 4; minus strand). Cytogenetic location: 11q23.3.
Variant type: Deletion.
Coding change: c.1190del on transcript NM_001164277.2 (MANE Select); coding-DNA position 1190, one base deleted (T; older notation c.1190delT).
Protein change: p.Phe397fs; shifts the reading frame from phenylalanine 397.
Molecular consequence: frameshift variant.
Genome position (GRCh38, 1-based): chr11:119,025,010, A deleted on the plus strand (T on the coding strand, the reverse complement: SLC37A4 is on the minus strand); the first of 2 consecutive A bases (chr11:119,025,010-119,025,011); deleting either gives the same sequence. VCF-style (leftmost placement, unchanged base first): chr11-119025009-GA-G. GRCh37 (hg19) VCF-style: chr11-118895719-GA-G.
Other names: c.1256del, p.Phe419fs (NM_001164278.2); c.971del, p.Phe324fs (NM_001164279.2); c.1190del, p.Phe397fs (NM_001164280.2, NM_001467.6); short protein forms F397fs, F324fs, F419fs.
Identifiers: ClinVar variation 2830361 (VCV002830361.3), dbSNP rs2497010101, ClinGen allele CA2739271743.
Genomic context (GRCh38, chr11:119,025,009, plus strand): 5'-GATGTTTCGTAGGAGGAAGAAGGCAGCCGTGCTGGCCGCACAAATCACTTCAGCCACCCA[GA>G]AGGCTGTGCTCCAACTGTAGTGCTTGGCAATGGTGCTGAAGGGCAGCCCAGCCAGAAAGC-3'

ClinVar aggregate classification (germline): Pathogenic (1 of 4 stars; one submission).

Conditions:
Glucose-6-phosphate transport defect (GSD1B). Also called: Glycogen Storage Disease Type Ib; GSD Ib. Identifiers: Orphanet 364, Orphanet 79259, MedGen C0268146, MONDO:0009288, OMIM 232220.

Submission:

Labcorp Genetics (formerly Invitae), Labcorp
Classification: Pathogenic for Glucose-6-phosphate transport defect. Last evaluated: 2023-01-20. Review status: criteria provided, single submitter. Criteria: Invitae Variant Classification Sherloc (09022015). Collection method: clinical testing. Allele origin: germline.
Comment: This variant is not present in population databases (gnomAD no frequency). This variant has not been reported in the literature in individuals affected with SLC37A4-related conditions. This variant disrupts a region of the SLC37A4 protein in which other variant(s) (p.Arg415*) have been determined to be pathogenic (PMID: 10482962, 10931421, 15059622, 21575371). This suggests that this is a clinically significant region of the protein, and that variants that disrupt it are likely to be disease-causing. For these reasons, this variant has been classified as Pathogenic. This sequence change creates a premature translational stop signal (p.Phe397Serfs*6) in the SLC37A4 gene. While this is not anticipated to result in nonsense mediated decay, it is expected to disrupt the last 33 amino acid(s) of the SLC37A4 protein.

Literature cited by the submitters: PubMed 10482962; PubMed 10931421; PubMed 15059622; PubMed 21575371.